The following is an entry in ClinVar:

ClinVar aggregate classification (germline): Likely benign (0 of 4 stars; one submission).

Conditions:
CEP290-related disorder. Also called: CEP290-related condition; CEP290-related disorders. Identifiers: MedGen CN239314.

Submission:

PreventionGenetics, part of Exact Sciences
Classification: Likely benign for CEP290-related condition. Last evaluated: 2022-04-28. Review status: no assertion criteria provided. Collection method: clinical testing. Allele origin: germline.
Comment: This variant is classified as likely benign based on ACMG/AMP sequence variant interpretation guidelines (Richards et al. 2015 PMID: 25741868, with internal and published modifications).

NM_025114.4(CEP290):c.2991+1660T>C

Gene: CEP290 (centrosomal protein 290; minus strand). Cytogenetic location: 12q21.32.
Variant type: single nucleotide variant.
Coding change: c.2991+1660T>C on transcript NM_025114.4 (MANE Select); 1660 bases into the intron after coding-DNA position 2991, T replaced by C.
Molecular consequence: intron variant.
Genome position (GRCh38, 1-based): chr12:88,101,178, A>G on the plus strand (T>C on the coding strand, the complement: CEP290 is on the minus strand). VCF-style: chr12-88101178-A-G. GRCh37 (hg19) VCF-style: chr12-88494955-A-G.
Identifiers: ClinVar variation 3353708 (VCV003353708.1).